The following is an entry in ClinVar:

ClinVar aggregate classification (germline): Uncertain significance (1 of 4 stars; one submission).

Conditions:
Retinitis pigmentosa 59 (RP59). Identifiers: Orphanet 791, MedGen C3151227, MONDO:0013468, OMIM 613861.

Submission:

Labcorp Genetics (formerly Invitae), Labcorp
Classification: Uncertain significance for Retinitis pigmentosa 59. Last evaluated: 2024-05-09. Review status: criteria provided, single submitter. Criteria: Invitae Variant Classification Sherloc (09022015). Collection method: clinical testing. Allele origin: germline.
Comment: This sequence change replaces methionine, which is neutral and non-polar, with leucine, which is neutral and non-polar, at codon 169 of the DHDDS protein (p.Met169Leu). This variant is not present in population databases (gnomAD no frequency). This variant has not been reported in the literature in individuals affected with DHDDS-related conditions. Advanced modeling of protein sequence and biophysical properties (such as structural, functional, and spatial information, amino acid conservation, physicochemical variation, residue mobility, and thermodynamic stability) performed at Invitae indicates that this missense variant is not expected to disrupt DHDDS protein function with a negative predictive value of 80%. In summary, the available evidence is currently insufficient to determine the role of this variant in disease. Therefore, it has been classified as a Variant of Uncertain Significance.

NM_205861.3(DHDDS):c.505A>T (p.Met169Leu)

Gene: DHDDS (dehydrodolichyl diphosphate synthase subunit; plus strand). Cytogenetic location: 1p36.11.
Variant type: single nucleotide variant.
Coding change: c.505A>T on transcript NM_205861.3 (MANE Select); coding-DNA position 505, A replaced by T.
Protein change: p.Met169Leu; replaces methionine 169 with leucine.
Molecular consequence: missense variant. On other transcripts: intron variant (1).
Genome position (GRCh38, 1-based): chr1:26,447,623, A>T. VCF-style: chr1-26447623-A-T. GRCh37 (hg19) VCF-style: chr1-26774114-A-T.
Other names: c.388A>T, p.Met130Leu (NM_001243565.2); c.226A>T, p.Met76Leu (NM_001319959.2); c.505A>T, p.Met169Leu (NM_024887.4); c.440+1191A>T (NM_001243564.2); short protein forms M130L, M169L, M76L.
Identifiers: ClinVar variation 3622833 (VCV003622833.2).